The following is an entry in ClinVar:

ClinVar aggregate classification (germline): Uncertain significance. Review status: criteria provided, multiple submitters, no conflicts (2 of 4 stars). 3 submissions from 3 submitters: Uncertain significance (3). Last evaluated 2025-08-08.

Conditions:
KBG syndrome (KBGS). Also called: ANKRD11-Related KBG Syndrome. Identifiers: Orphanet 2332, MedGen C0220687, MONDO:0007846, OMIM 148050.
Inborn genetic diseases. Identifiers: MedGen C0950123, MeSH D030342.

Allele frequency attached by ClinVar (database versions not stated): gnomAD exomes below 0.00001; TOPMed below 0.00001.
gnomAD v4.1: 6 of 1,613,934 alleles (0.00037%); highest among the groups gnomAD compares: East Asian, 0.0022%; no homozygotes.

Submissions (3):

Ambry Genetics
Classification: Uncertain significance for Inborn genetic diseases. Last evaluated: 2025-08-08. Review status: criteria provided, single submitter. Criteria: Ambry Variant Classification Scheme 2023. Collection method: clinical testing. Allele origin: germline.

Labcorp Genetics (formerly Invitae), Labcorp
Classification: Uncertain significance for KBG syndrome. Last evaluated: 2024-11-18. Review status: criteria provided, single submitter. Criteria: Invitae Variant Classification Sherloc (09022015). Collection method: clinical testing. Allele origin: germline.
Comment: This sequence change replaces serine, which is neutral and polar, with leucine, which is neutral and non-polar, at codon 411 of the ANKRD11 protein (p.Ser411Leu). This variant is present in population databases (no rsID available, gnomAD 0.003%). This variant has not been reported in the literature in individuals affected with ANKRD11-related conditions. ClinVar contains an entry for this variant (Variation ID: 2492586). Invitae Evidence Modeling of protein sequence and biophysical properties (such as structural, functional, and spatial information, amino acid conservation, physicochemical variation, residue mobility, and thermodynamic stability) has been performed for this missense variant. However, the output from this modeling did not meet the statistical confidence thresholds required to predict the impact of this variant on ANKRD11 protein function. In summary, the available evidence is currently insufficient to determine the role of this variant in disease. Therefore, it has been classified as a Variant of Uncertain Significance.

GeneDx
Classification: Uncertain significance. Last evaluated: 2024-07-24. Review status: criteria provided, single submitter. Criteria: GeneDx Variant Classification Process June 2021. Collection method: clinical testing. Allele origin: germline. Affected: yes.
Comment: Not observed at significant frequency in large population cohorts (gnomAD); In silico analysis supports that this missense variant has a deleterious effect on protein structure/function; Missense variant in a gene in which most reported pathogenic variants are truncating/loss of function; Has not been previously published as pathogenic or benign to our knowledge

NM_013275.6(ANKRD11):c.1232C>T (p.Ser411Leu)

Gene: ANKRD11 (ankyrin repeat domain 11; minus strand). Cytogenetic location: 16q24.3.
Variant type: single nucleotide variant.
Coding change: c.1232C>T on transcript NM_013275.6 (MANE Select); coding-DNA position 1232, C replaced by T.
Protein change: p.Ser411Leu; replaces serine 411 with leucine.
Molecular consequence: missense variant.
Genome position (GRCh38, 1-based): chr16:89,285,310, G>A on the plus strand (C>T on the coding strand, the complement: ANKRD11 is on the minus strand). VCF-style: chr16-89285310-G-A. GRCh37 (hg19) VCF-style: chr16-89351718-G-A.
Other names: c.1232C>T, p.Ser411Leu (NM_001256182.2, NM_001256183.2); c.1232C>T (NM_013275.5); short protein forms S411L.
Identifiers: ClinVar variation 2492586 (VCV002492586.6), dbSNP rs1414996600, ClinGen allele CA397165393.